The following is an entry in ClinVar:

ClinVar aggregate classification (germline): Uncertain significance (1 of 4 stars; one submission).

Conditions:
Fanconi anemia (FA). Also called: Fanconi's anemia. Identifiers: Orphanet 84, MedGen C0015625, MeSH D005199, MONDO:0019391.

Submission:

Labcorp Genetics (formerly Invitae), Labcorp
Classification: Uncertain significance for Fanconi anemia. Last evaluated: 2021-02-11. Review status: criteria provided, single submitter. Criteria: Invitae Variant Classification Sherloc (09022015). Collection method: clinical testing. Allele origin: germline.
Comment: This variant is not present in population databases (ExAC no frequency). In summary, the available evidence is currently insufficient to determine the role of this variant in disease. Therefore, it has been classified as a Variant of Uncertain Significance. Algorithms developed to predict the effect of missense changes on protein structure and function output the following: SIFT: "Tolerated"; PolyPhen-2: "Possibly Damaging"; Align-GVGD: "Class C0". The alanine amino acid residue is found in multiple mammalian species, suggesting that this missense change does not adversely affect protein function. These predictions have not been confirmed by published functional studies and their clinical significance is uncertain. This variant has not been reported in the literature in individuals with FANCA-related conditions. This sequence change replaces proline with alanine at codon 353 of the FANCA protein (p.Pro353Ala). The proline residue is weakly conserved and there is a small physicochemical difference between proline and alanine.

NM_000135.4(FANCA):c.1057C>G (p.Pro353Ala)

Gene: FANCA (FA complementation group A; minus strand). Cytogenetic location: 16q24.3.
Variant type: single nucleotide variant.
Coding change: c.1057C>G on transcript NM_000135.4 (MANE Select); coding-DNA position 1057, C replaced by G.
Protein change: p.Pro353Ala; replaces proline 353 with alanine.
Molecular consequence: missense variant.
Genome position (GRCh38, 1-based): chr16:89,792,497, G>C on the plus strand (C>G on the coding strand, the complement: FANCA is on the minus strand). VCF-style: chr16-89792497-G-C. GRCh37 (hg19) VCF-style: chr16-89858905-G-C.
Other names: c.1057C>G, p.Pro353Ala (NM_001286167.3); short protein forms P353A.
Identifiers: ClinVar variation 1011035 (VCV001011035.9), dbSNP rs1449343629, ClinGen allele CA397466680.